The following is an entry in ClinVar:

NM_206933.4(USH2A):c.13465G>A (p.Gly4489Ser)

Gene: USH2A (usherin; minus strand). Cytogenetic location: 1q41.
Variant type: single nucleotide variant.
Coding change: c.13465G>A on transcript NM_206933.4 (MANE Select); coding-DNA position 13465, G replaced by A.
Protein change: p.Gly4489Ser; replaces glycine 4489 with serine.
Molecular consequence: missense variant.
Genome position (GRCh38, 1-based): chr1:215,674,446, C>T on the plus strand (G>A on the coding strand, the complement: USH2A is on the minus strand). VCF-style: chr1-215674446-C-T. GRCh37 (hg19) VCF-style: chr1-215847788-C-T.
Other names: c.13465G>A (NM_206933.2); short protein forms G4489S.
Identifiers: ClinVar variation 1016214 (VCV001016214.16), dbSNP rs1293619630, ClinGen allele CA344845118.
Genomic context (GRCh38, chr1:215,674,446, plus strand): 5'-CTGTGTAGCTATACTCCACACCTGGGGTGAGAGTAAAATCACGATAGCGTGTTTCCAAGC[C>T]TGTATATACAATGGTTCCATCCCTCCTAAGTTCATAACTTCTGATCTGGCCATTTGGGTT-3'
Protein context (NP_996816.3, residues 4479-4499): LRRDGTIVYT[Gly4489Ser]LETRYRDFTL

ClinVar aggregate classification (germline): Pathogenic. Review status: criteria provided, multiple submitters, no conflicts (2 of 4 stars). 8 submissions from 8 submitters: Pathogenic (8). Last evaluated 2025-11-11.

Conditions:
Usher syndrome type 2A. Also called: USHER SYNDROME, TYPE IIA; RETINAL DISEASE IN USHER SYNDROME TYPE IIA, MODIFIER OF. Identifiers: Orphanet 231178, Orphanet 886, MedGen C1848634, MONDO:0010169, OMIM 276901.
USH2A-related disorder. Also called: USH2A-related condition; USH2A-related disorders. Identifiers: MedGen CN239332.
Retinitis pigmentosa 39 (RP39). Identifiers: Orphanet 791, MedGen C3151138, MONDO:0013436, OMIM 613809.
Usher syndrome. Also called: Usher's syndrome; Usher Syndromes. Identifiers: Orphanet 886, MedGen CN469326, MeSH D052245, MONDO:0019501. Disease mechanism: loss of function.

Allele frequency attached by ClinVar (database versions not stated): TOPMed 0.00001.

Submissions (8):

Myriad Genetics, Inc.
Classification: Pathogenic for USH2A-related disorder. Last evaluated: 2025-11-11. Review status: criteria provided, single submitter. Criteria: Myriad Autosomal Dominant, Autosomal Recessive and X-Linked Classification Criteria (2023). Collection method: clinical testing. Allele origin: unknown.
Comment: NM_206933.2(USH2A):c.13465G>A(G4489S) is a missense variant classified as pathogenic in the context of USH2A-related disorders. Please note that G4489S is primarily associated with retinitis pigmentosa. G4489S has been observed in cases with relevant disease (PMID: 29641573, 30076350, 32188678, 32319668, 32675063, 32893482, 33124170, 36110214). Relevant functional assessments of this variant are not available in the literature. G4489S has not been observed in referenced population frequency databases. In summary, NM_206933.2(USH2A):c.13465G>A(G4489S) is a missense variant that has been observed more frequently in cases with the relevant disease than in healthy populations. Please note: this variant was assessed in the context of healthy population screening.

Natera, Inc.
Classification: Pathogenic for Usher syndrome type 2A. Last evaluated: 2024-07-08. Review status: criteria provided, single submitter. Criteria: Natera Variant Classification Schema (03/2026). Collection method: clinical testing. Allele origin: germline.
Comment: The c.13465G>A variant in USH2A is a missense variant predicted to cause substitution of glycine to serine at amino acid 4489. This variant is rare in the general population with a frequency below the threshold expected for the associated phenotype(s). This variant has been observed in one or more individuals affected with the associated recessive disease, as either homozygous or compound heterozygous with a second variant (PMID: 32675063, 32188678, 32100970, 32319668). Computational prediction algorithms indicate this variant is likely to affect gene or protein function. Given the available evidence, this variant is classified as Pathogenic.

Labcorp Genetics (formerly Invitae), Labcorp
Classification: Pathogenic. Last evaluated: 2024-02-16. Review status: criteria provided, single submitter. Criteria: Invitae Variant Classification Sherloc (09022015). Collection method: clinical testing. Allele origin: germline.
Comment: This sequence change replaces glycine, which is neutral and non-polar, with serine, which is neutral and polar, at codon 4489 of the USH2A protein (p.Gly4489Ser). This variant is not present in population databases (gnomAD no frequency). This missense change has been observed in individual(s) with retinitis pigmentosa (PMID: 29641573, 32100970, 32188678, 32893482, 33124170; Invitae). ClinVar contains an entry for this variant (Variation ID: 1016214). Advanced modeling of protein sequence and biophysical properties (such as structural, functional, and spatial information, amino acid conservation, physicochemical variation, residue mobility, and thermodynamic stability) has been performed at Invitae for this missense variant, however the output from this modeling did not meet the statistical confidence thresholds required to predict the impact of this variant on USH2A protein function. This variant disrupts the p.Gly4489 amino acid residue in USH2A. Other variant(s) that disrupt this residue have been observed in individuals with USH2A-related conditions (PMID: 25324289), which suggests that this may be a clinically significant amino acid residue. For these reasons, this variant has been classified as Pathogenic.

Genome-Nilou Lab
Classification: Pathogenic for Usher syndrome type 2A. Last evaluated: 2023-11-04. Review status: criteria provided, single submitter. Criteria: ACMG Guidelines, 2015. Collection method: clinical testing. Allele origin: germline. Affected: no.

Women's Health and Genetics/Laboratory Corporation of America, LabCorp
Classification: Pathogenic for Usher syndrome. Last evaluated: 2023-05-09. Review status: criteria provided, single submitter. Criteria: LabCorp Variant Classification Summary - May 2015. Collection method: clinical testing. Allele origin: germline.
Comment: Variant summary: USH2A c.13465G>A (p.Gly4489Ser) results in a non-conservative amino acid change located in the Fibronectin type III domain (IPR003961) of the encoded protein sequence. Three of five in-silico tools predict a damaging effect of the variant on protein function. The variant was absent in 250822 control chromosomes. c.13465G>A has been reported in the literature as a biallelic genotype in multiple individuals affected with features of Inherited Retinal Disease/Retinitis Pigmentosa (example, Sun_2020, Zhu_2020, Chen_2020, Liu_2021, Gao_2021). These data indicate that the variant is very likely to be associated with disease. To our knowledge, no experimental evidence demonstrating an impact on protein function has been reported. The following publications have been ascertained in the context of this evaluation (PMID: 32893482, 32188678, 29641573, 33090715, 32100970, 32319668). One clinical diagnostic laboratory has submitted clinical-significance assessments for this variant to ClinVar after 2014 and classified the variant as pathogenic. Based on the evidence outlined above, the variant was classified as pathogenic.

Baylor Genetics
Classification: Pathogenic for Retinitis pigmentosa 39. Last evaluated: 2023-04-29. Review status: criteria provided, single submitter. Criteria: ACMG Guidelines, 2015. Collection method: clinical testing. Allele origin: unknown.

Blueprint Genetics
Classification: Pathogenic for USH2A-related disorders. Last evaluated: 2022-04-22. Review status: criteria provided, single submitter. Criteria: ACMG Guidelines, 2015. Collection method: clinical testing. Allele origin: germline. Affected: yes. Observed: 1 variant allele.

Juno Genomics, Hangzhou Juno Genomics, Inc
Classification: Pathogenic for Retinitis pigmentosa 39; Usher syndrome type 2A. Review status: criteria provided, single submitter. Criteria: ACMG Guidelines, 2015. Collection method: clinical testing. Allele origin: germline. Affected: yes.
Comment: Absent from controls (or at extremely low frequency if recessive) in Genome Aggregation Database, Exome Sequencing Project, 1000 Genomes Project, or Exome Aggregation Consortium.;For recessive disorders, detected in trans with a pathogenic variant.;Patient's phenotype or family history is highly specific for a disease with a single genetic etiology.

Literature cited by the submitters: PubMed 29641573 (cited by 3 submitters); PubMed 30076350 (cited by Myriad Genetics, Inc.); PubMed 32188678 (cited by 4 submitters); PubMed 32319668 (cited by 3 submitters); PubMed 32675063 (cited by Myriad Genetics, Inc. and Natera, Inc.); PubMed 32893482 (cited by 3 submitters); PubMed 33124170 (cited by Myriad Genetics, Inc. and Labcorp Genetics (formerly Invitae), Labcorp); PubMed 36110214 (cited by Myriad Genetics, Inc.); PubMed 32100970 (cited by 3 submitters); PubMed 25324289 (cited by Labcorp Genetics (formerly Invitae), Labcorp); PubMed 33090715 (cited by Women's Health and Genetics/Laboratory Corporation of America, LabCorp).